The following is an entry in ClinVar:

NM_002067.5(GNA11):c.234C>T (p.Leu78=)

Gene: GNA11 (G protein subunit alpha 11; plus strand). Cytogenetic location: 19p13.3.
Variant type: single nucleotide variant.
Coding change: c.234C>T on transcript NM_002067.5 (MANE Select); coding-DNA position 234, C replaced by T.
Protein change: p.Leu78=; no amino-acid change (leucine 78 retained).
Molecular consequence: synonymous variant.
Genome position (GRCh38, 1-based): chr19:3,110,246, C>T. VCF-style: chr19-3110246-C-T. GRCh37 (hg19) VCF-style: chr19-3110244-C-T.
Other names: p.Leu78=.
Identifiers: ClinVar variation 734138 (VCV000734138.23), dbSNP rs770729214, ClinGen allele CA9074767.

ClinVar aggregate classification (germline): Benign/Likely benign. Review status: criteria provided, multiple submitters, no conflicts (2 of 4 stars). 5 submissions from 5 submitters: Benign (1); Likely benign (4). Last evaluated 2026-10-01.

Allele frequency attached by ClinVar (database versions not stated): ExAC 0.00013; gnomAD 0.00014 and 0.00016; gnomAD exomes 0.00022; TOPMed 0.00024.
gnomAD v4.1: 240 of 1,613,870 alleles (0.015%); highest among the groups gnomAD compares: Admixed American, 0.083%; no homozygotes.

Submissions (5):

CeGaT Center for Human Genetics Tuebingen
Classification: Likely benign. Last evaluated: 2026-10-01. Review status: criteria provided, single submitter. Criteria: CeGaT Center For Human Genetics Tuebingen Variant Classification Criteria Version 2. Collection method: clinical testing. Allele origin: germline. Affected: yes. Observed: 3 variant alleles.
Comment: GNA11: BP4, BP7

Labcorp Genetics (formerly Invitae), Labcorp
Classification: Benign. Last evaluated: 2025-12-15. Review status: criteria provided, single submitter. Criteria: Invitae Variant Classification Sherloc (09022015). Collection method: clinical testing. Allele origin: germline.

Mayo Clinic Laboratories, Mayo Clinic
Classification: Likely benign. Last evaluated: 2025-09-10. Review status: criteria provided, single submitter. Criteria: ACMG Guidelines, 2015. Collection method: clinical testing. Allele origin: germline. Observed: 1 variant allele.
Comment: BS1, BP4, BP7

Blueprint Genetics
Classification: Likely benign. Last evaluated: 2024-10-09. Review status: criteria provided, single submitter. Criteria: ACMG Guidelines, 2015. Collection method: clinical testing. Allele origin: germline.

Genetic Services Laboratory, University of Chicago
Classification: Likely benign. Last evaluated: 2020-02-20. Review status: criteria provided, single submitter. Criteria: ACMG Guidelines, 2015. Collection method: clinical testing. Allele origin: germline. Affected: no.